The following is an entry in ClinVar:

ClinVar aggregate classification (germline): Uncertain significance. Review status: criteria provided, multiple submitters, no conflicts (2 of 4 stars). 3 submissions from 3 submitters: Uncertain significance (3). Last evaluated 2025-02-10.

Conditions:
Hereditary cancer-predisposing syndrome. Also called: Hereditary Cancer Syndrome; Neoplastic Syndromes, Hereditary; Tumor predisposition; Hereditary neoplastic syndrome. Identifiers: Orphanet 140162, MedGen C0027672, MeSH D009386, MONDO:0015356.
Ataxia-telangiectasia syndrome (AT). Also called: Ataxia telangiectasia (A-T); Ataxia-telangiectasia, complementation group E; LOUIS-BAR SYNDROME; Cerebello-oculocutaneous telangiectasia; Immunodeficiency with ataxia telangiectasia; Ataxia-telangiectasia, complementation group D. Identifiers: Orphanet 100, MedGen C0004135, MONDO:0008840, OMIM 208900.

Allele frequency attached by ClinVar (database versions not stated): gnomAD exomes below 0.00001; gnomAD 0.00001.
gnomAD v4.1: 3 of 1,613,474 alleles (0.00019%); highest among the groups gnomAD compares: Non-Finnish European, 0.00025%; no homozygotes.

Submissions (3):

Ambry Genetics
Classification: Uncertain significance for Hereditary cancer-predisposing syndrome. Last evaluated: 2025-02-10. Review status: criteria provided, single submitter. Criteria: Ambry Variant Classification Scheme 2023. Collection method: clinical testing. Allele origin: germline.
Comment: The p.S706P variant (also known as c.2116T>C), located in coding exon 12 of the ATM gene, results from a T to C substitution at nucleotide position 2116. The serine at codon 706 is replaced by proline, an amino acid with similar properties. This amino acid position is well conserved in available vertebrate species. In addition, this alteration is predicted to be tolerated by in silico analysis. Based on the available evidence, the clinical significance of this variant remains unclear.

GeneDx
Classification: Uncertain significance. Last evaluated: 2024-09-30. Review status: criteria provided, single submitter. Criteria: GeneDx Variant Classification Process June 2021. Collection method: clinical testing. Allele origin: germline. Affected: yes.
Comment: Not observed at significant frequency in large population cohorts (gnomAD); In silico analysis indicates that this missense variant does not alter protein structure/function; Has not been previously published as pathogenic or benign to our knowledge

Labcorp Genetics (formerly Invitae), Labcorp
Classification: Uncertain significance for Ataxia-telangiectasia syndrome. Last evaluated: 2024-05-22. Review status: criteria provided, single submitter. Criteria: Invitae Variant Classification Sherloc (09022015). Collection method: clinical testing. Allele origin: germline.
Comment: This sequence change replaces serine, which is neutral and polar, with proline, which is neutral and non-polar, at codon 706 of the ATM protein (p.Ser706Pro). This variant is not present in population databases (gnomAD no frequency). This variant has not been reported in the literature in individuals affected with ATM-related conditions. ClinVar contains an entry for this variant (Variation ID: 230284). An algorithm developed to predict the effect of missense changes on protein structure and function (PolyPhen-2) suggests that this variant is likely to be tolerated. In summary, the available evidence is currently insufficient to determine the role of this variant in disease. Therefore, it has been classified as a Variant of Uncertain Significance.

NM_000051.4(ATM):c.2116T>C (p.Ser706Pro)

Gene: ATM (ATM serine/threonine kinase; plus strand). Cytogenetic location: 11q22.3.
Variant type: single nucleotide variant.
Coding change: c.2116T>C on transcript NM_000051.4 (MANE Select); coding-DNA position 2116, T replaced by C.
Protein change: p.Ser706Pro; replaces serine 706 with proline.
Molecular consequence: missense variant.
Genome position (GRCh38, 1-based): chr11:108,254,031, T>C. VCF-style: chr11-108254031-T-C. GRCh37 (hg19) VCF-style: chr11-108124758-T-C.
Other names: c.2116T>C, p.Ser706Pro (NM_001351834.2); short protein forms S706P.
Identifiers: ClinVar variation 230284 (VCV000230284.15), dbSNP rs536609092, ClinGen allele CA10579039.